The following is an entry in ClinVar:

ClinVar aggregate classification (germline): Likely benign. Review status: criteria provided, multiple submitters, no conflicts (2 of 4 stars). 5 submissions from 5 submitters: Likely benign (5). Last evaluated 2026-02-01.

Conditions:
Hereditary sensory neuropathy-deafness-dementia syndrome. Also called: Hereditary Sensory and Autonomic Neuropathy Type 1E (HSAN1E); NEUROPATHY, HEREDITARY SENSORY, WITH HEARING LOSS AND DEMENTIA; Hereditary sensory neuropathy type IE; HSN IE. Identifiers: Orphanet 456318, MedGen C3279885, MONDO:0013584, OMIM 614116.
DNMT1-related disorder. Also called: DNMT1-related condition. Identifiers: MedGen CN381527.

Allele frequency attached by ClinVar (database versions not stated): gnomAD exomes 0.00005 and 0.00010; gnomAD 0.00006 and 0.00007; TOPMed 0.00009; ExAC 0.00011; ESP Exome Variant Server 0.00015.
gnomAD v4.1: 92 of 1,614,122 alleles (0.0057%); highest among the groups gnomAD compares: Middle Eastern, 0.016%; 1 homozygote.

Submissions (5):

CeGaT Center for Human Genetics Tuebingen
Classification: Likely benign. Last evaluated: 2026-02-01. Review status: criteria provided, single submitter. Criteria: CeGaT Center For Human Genetics Tuebingen Variant Classification Criteria Version 2. Collection method: clinical testing. Allele origin: germline. Affected: yes. Observed: 2 variant alleles.
Comment: DNMT1: BP4, BP7

Labcorp Genetics (formerly Invitae), Labcorp
Classification: Likely benign for Hereditary sensory neuropathy-deafness-dementia syndrome. Last evaluated: 2025-07-09. Review status: criteria provided, single submitter. Criteria: Invitae Variant Classification Sherloc (09022015). Collection method: clinical testing. Allele origin: germline.

PreventionGenetics, part of Exact Sciences
Classification: Likely benign for DNMT1-related condition. Last evaluated: 2024-12-30. Review status: criteria provided, single submitter. Criteria: ACMG Guidelines, 2015. Collection method: clinical testing. Allele origin: germline.
Comment: This variant is classified as likely benign based on ACMG/AMP sequence variant interpretation guidelines (Richards et al. 2015 PMID: 25741868, with internal and published modifications).

Blueprint Genetics
Classification: Likely benign. Last evaluated: 2024-10-17. Review status: criteria provided, single submitter. Criteria: ACMG Guidelines, 2015. Collection method: clinical testing. Allele origin: germline.

Illumina Laboratory Services, Illumina
Classification: Likely benign for Hereditary sensory neuropathy-deafness-dementia syndrome. Last evaluated: 2018-01-13. Review status: criteria provided, single submitter. Criteria: ICSL Variant Classification Criteria 13 December 2019. Collection method: clinical testing. Allele origin: germline.
Comment: This variant was observed in the ICSL laboratory as part of a predisposition screen in an ostensibly healthy population. It had not been previously curated by ICSL or reported in the Human Gene Mutation Database (HGMD: prior to June 1st, 2018), and was therefore a candidate for classification through an automated scoring system. Utilizing variant allele frequency, disease prevalence and penetrance estimates, and inheritance mode, an automated score was calculated to assess if this variant is too frequent to cause the disease. Based on the score and internal cut-off values, a variant classified as likely benign is not then subjected to further curation. The score for this variant resulted in a classification of likely benign for this disease.

NM_001130823.3(DNMT1):c.1861A>C (p.Arg621=)

Gene: DNMT1 (DNA methyltransferase 1; minus strand). Cytogenetic location: 19p13.2.
Variant type: single nucleotide variant.
Coding change: c.1861A>C on transcript NM_001130823.3 (MANE Select); coding-DNA position 1861, A replaced by C.
Protein change: p.Arg621=; no amino-acid change (arginine 621 retained).
Molecular consequence: synonymous variant.
Genome position (GRCh38, 1-based): chr19:10,154,451, T>G on the plus strand (A>C on the coding strand, the complement: DNMT1 is on the minus strand). VCF-style: chr19-10154451-T-G. GRCh37 (hg19) VCF-style: chr19-10265127-T-G.
Other names: c.1861A>C (NM_001130823.2, LRG_362t1); c.1813A>C, p.Arg605= (NM_001318730.2, NM_001379.4); c.1498A>C, p.Arg500= (NM_001318731.2).
Identifiers: ClinVar variation 327909 (VCV000327909.44), dbSNP rs144567470, ClinGen allele CA9188177.